The following is an entry in ClinVar:

NM_133372.3(FNIP1):c.1051T>C (p.Phe351Leu)

Gene: FNIP1 (folliculin interacting protein 1; minus strand). Cytogenetic location: 5q31.1.
Variant type: single nucleotide variant.
Coding change: c.1051T>C on transcript NM_133372.3 (MANE Select); coding-DNA position 1051, T replaced by C.
Protein change: p.Phe351Leu; replaces phenylalanine 351 with leucine.
Molecular consequence: missense variant.
Genome position (GRCh38, 1-based): chr5:131,704,130, A>G on the plus strand (T>C on the coding strand, the complement: FNIP1 is on the minus strand). VCF-style: chr5-131704130-A-G. GRCh37 (hg19) VCF-style: chr5-131039823-A-G.
Other names: c.967T>C, p.Phe323Leu (NM_001008738.3); c.1051T>C, p.Phe351Leu (NM_001346113.2); c.916T>C, p.Phe306Leu (NM_001346114.2); short protein forms F306L, F323L, F351L.
Identifiers: ClinVar variation 2106490 (VCV002106490.4), dbSNP rs2532181767, ClinGen allele CA360799326.

ClinVar aggregate classification (germline): Uncertain significance (1 of 4 stars; one submission).

Submission:

Labcorp Genetics (formerly Invitae), Labcorp
Classification: Uncertain significance. Last evaluated: 2022-03-04. Review status: criteria provided, single submitter. Criteria: Invitae Variant Classification Sherloc (09022015). Collection method: clinical testing. Allele origin: germline.
Comment: In summary, the available evidence is currently insufficient to determine the role of this variant in disease. Therefore, it has been classified as a Variant of Uncertain Significance. Algorithms developed to predict the effect of missense changes on protein structure and function are either unavailable or do not agree on the potential impact of this missense change (SIFT: "Deleterious"; PolyPhen-2: "Benign"; Align-GVGD: "Class C0"). This variant has not been reported in the literature in individuals affected with FNIP1-related conditions. This variant is not present in population databases (gnomAD no frequency). This sequence change replaces phenylalanine, which is neutral and non-polar, with leucine, which is neutral and non-polar, at codon 351 of the FNIP1 protein (p.Phe351Leu).